The following is an entry in ClinVar:

ClinVar aggregate classification (germline): Likely benign (1 of 4 stars; one submission).

Conditions:
Iodotyrosyl coupling defect (TDH3). Also called: HYPOTHYROIDISM, CONGENITAL, DUE TO DYSHORMONOGENESIS, 3; THYROID HORMONOGENESIS, GENETIC DEFECT IN, 3. Identifiers: Orphanet 95716, MedGen C0342194, MONDO:0010135, OMIM 274700.

Allele frequency attached by ClinVar (database versions not stated): TOPMed below 0.00001; gnomAD 0.00001 and 0.00005; gnomAD exomes 0.00004 and 0.00019; ExAC 0.00005; 1000 Genomes Project 30x 0.00047; 1000 Genomes Project 0.00060.
gnomAD v4.1: 273 of 1,614,120 alleles (0.017%); highest among the groups gnomAD compares: East Asian, 0.6%; 3 homozygotes.

Submission:

Illumina Laboratory Services, Illumina
Classification: Likely benign for Iodotyrosyl coupling defect. Last evaluated: 2017-04-27. Review status: criteria provided, single submitter. Criteria: ICSL Variant Classification Criteria 13 December 2019. Collection method: clinical testing. Allele origin: germline.
Comment: This variant was observed as part of a predisposition screen in an ostensibly healthy population. A literature search was performed for the gene, cDNA change, and amino acid change (where applicable). Publications were found based on this search. The evidence from the literature, in combination with allele frequency data from public databases where available, was sufficient to determine this variant is unlikely to cause disease. Therefore, this variant is classified as likely benign.

Literature cited by the submitters: PubMed 21958696; PubMed 23457309.

NM_003235.5(TG):c.2488C>G (p.Gln830Glu)

Gene: TG (thyroglobulin; plus strand). Cytogenetic location: 8q24.22.
Variant type: single nucleotide variant.
Coding change: c.2488C>G on transcript NM_003235.5 (MANE Select); coding-DNA position 2488, C replaced by G.
Protein change: p.Gln830Glu; replaces glutamine 830 with glutamic acid.
Molecular consequence: missense variant.
Genome position (GRCh38, 1-based): chr8:132,888,295, C>G. VCF-style: chr8-132888295-C-G. GRCh37 (hg19) VCF-style: chr8-133900540-C-G.
Other names: short protein forms Q830E.
Identifiers: ClinVar variation 909975 (VCV000909975.4), dbSNP rs2076737, ClinGen allele CA4883413.